The following is an entry in ClinVar:

ClinVar aggregate classification (germline): Uncertain significance (1 of 4 stars; one submission).

gnomAD v4.1: 7 of 1,495,096 alleles (0.00047%); highest among the groups gnomAD compares: African/African-American, 0.0042%; no homozygotes.

Submission:

Labcorp Genetics (formerly Invitae), Labcorp
Classification: Uncertain significance. Last evaluated: 2025-09-01. Review status: criteria provided, single submitter. Criteria: Invitae Variant Classification Sherloc (09022015). Collection method: clinical testing. Allele origin: germline.
Comment: This sequence change replaces alanine, which is neutral and non-polar, with glutamic acid, which is acidic and polar, at codon 203 of the LEMD3 protein (p.Ala203Glu). The frequency data for this variant in the population databases is considered unreliable, as metrics indicate poor data quality at this position in the gnomAD database. This variant has not been reported in the literature in individuals affected with LEMD3-related conditions. ClinVar contains an entry for this variant (Variation ID: 3609775). Invitae Evidence Modeling of protein sequence and biophysical properties (such as structural, functional, and spatial information, amino acid conservation, physicochemical variation, residue mobility, and thermodynamic stability) indicates that this missense variant is not expected to disrupt LEMD3 protein function with a negative predictive value of 80%. In summary, the available evidence is currently insufficient to determine the role of this variant in disease. Therefore, it has been classified as a Variant of Uncertain Significance.

NM_014319.5(LEMD3):c.608C>A (p.Ala203Glu)

Gene: LEMD3 (LEM domain containing 3; plus strand). Cytogenetic location: 12q14.3.
Variant type: single nucleotide variant.
Coding change: c.608C>A on transcript NM_014319.5 (MANE Select); coding-DNA position 608, C replaced by A.
Protein change: p.Ala203Glu; replaces alanine 203 with glutamic acid.
Molecular consequence: missense variant.
Genome position (GRCh38, 1-based): chr12:65,170,204, C>A. VCF-style: chr12-65170204-C-A. GRCh37 (hg19) VCF-style: chr12-65563984-C-A.
Other names: c.608C>A, p.Ala203Glu (NM_001167614.2); short protein forms A203E.
Identifiers: ClinVar variation 3609775 (VCV003609775.2).